The following is an entry in ClinVar:

ClinVar aggregate classification (germline): Pathogenic/Likely pathogenic. Review status: criteria provided, multiple submitters, no conflicts (2 of 4 stars). 6 submissions from 6 submitters: Pathogenic (5); Likely pathogenic (1). Last evaluated 2025-04-28.

Conditions:
Hereditary nonpolyposis colorectal neoplasms. Identifiers: MedGen C0009405, MeSH D003123.
Hereditary cancer-predisposing syndrome. Also called: Neoplastic Syndromes, Hereditary; Tumor predisposition; Hereditary Cancer Syndrome; Hereditary neoplastic syndrome. Identifiers: Orphanet 140162, MedGen C0027672, MeSH D009386, MONDO:0015356.
Lynch syndrome 4 (LYNCH4). Also called: Colorectal cancer, hereditary nonpolyposis, type 4; Hereditary non-polyposis colorectal cancer, type 4. Identifiers: Orphanet 144, MedGen C1838333, MONDO:0013699, OMIM 614337. Disease mechanism: loss of function.

Allele frequency attached by ClinVar (database versions not stated): TOPMed 0.00002.

Submissions (6):

Labcorp Genetics (formerly Invitae), Labcorp
Classification: Pathogenic for Hereditary nonpolyposis colorectal neoplasms. Last evaluated: 2025-04-28. Review status: criteria provided, single submitter. Criteria: Invitae Variant Classification Sherloc (09022015). Collection method: clinical testing. Allele origin: germline.
Comment: This sequence change affects the initiator codon of the PMS2 mRNA. This change may impact translation initiation or efficiency. The next in-frame methionine is located at codon 136. This variant is present in population databases (no rsID available, gnomAD 0.003%). Disruption of the initiator codon has been observed in individuals with PMS2-related conditions (PMID: 18602922, 20487569, 23709753; internal data). ClinVar contains an entry for this variant (Variation ID: 231873). For these reasons, this variant has been classified as Pathogenic.

Ambry Genetics
Classification: Pathogenic for Hereditary cancer-predisposing syndrome. Last evaluated: 2025-01-13. Review status: criteria provided, single submitter. Criteria: Ambry Variant Classification Scheme 2023. Collection method: clinical testing. Allele origin: germline.
Comment: The p.M1? pathogenic mutation (also known as c.2T>G) is located in coding exon 1 of the PMS2 gene and results from a T to G substitution at nucleotide position 2. This alters the methionine residue at the initiation codon (ATG). Other alterations impacting the PMS2 initiation codon have been reported in individuals with early-onset, Lynch syndrome-associated malignancies and tumors demonstrating isolated loss of PMS2 staining by immunohistochemistry (IHC) (Senter et al. Gastroenterology. 2008 Aug;135(2):419-28; Borr&agrave;s E, J. Med. Genet. 2013 Aug; 50(8):552-63). Sequence variations that modify the initiation codon are expected to result in either loss of translation initiation, N-terminal truncation, or cause a shift in the mRNA reading frame. This variant is considered to be rare based on population cohorts in the Genome Aggregation Database (gnomAD). Based on the supporting evidence, this alteration is interpreted as a disease-causing mutation.

Myriad Genetics, Inc.
Classification: Pathogenic for Lynch syndrome 4. Last evaluated: 2023-09-15. Review status: criteria provided, single submitter. Criteria: Myriad Autosomal Dominant, Autosomal Recessive and X-Linked Classification Criteria (2023). Collection method: clinical testing. Allele origin: unknown.
Comment: This variant is considered pathogenic. This variant is located within the gene translation start codon (p.Met1?) and is predicted to result in abnormal protein translation. This variant has been reported in multiple individuals with clinical features of gene-specific disease [PMID: 30680046, 27476653, 18602922].

Sema4
Classification: Likely pathogenic for Hereditary cancer-predisposing syndrome. Last evaluated: 2021-09-12. Review status: criteria provided, single submitter. Criteria: Sema4 Curation Guidelines. Collection method: curation. Allele origin: germline.
Comment: The PMS2 c.2T>G (p.M1?) variant has not been reported in the literature to our knowledge. This variant affects the translation initiation start codon. The nearest in-frame methionine that could be used to initiate PMS2 translation is located at codon 136, and therefore this variant is expected to result in an absent or N-terminal truncated protein. Other variants affecting the PMS2 initiation codon have been reported as disease causing (PMID: 18602922, 20487569). It was observed in 1/30614 chromosomes of the South Asian subpopulation in the large and broad cohorts of the Genome Aggregation Database (PMID: 32461654). The variant has been reported in ClinVar (Variation ID 231873). Based on the current evidence available, this variant is interpreted as likely pathogenic.

Revvity Omics, Revvity
Classification: Pathogenic. Last evaluated: 2019-05-06. Review status: criteria provided, single submitter. Criteria: ACMG Guidelines, 2015. Collection method: clinical testing. Allele origin: germline.

Foundation for Research in Genetics and Endocrinology, FRIGE's Institute of Human Genetics
Classification: Pathogenic for Lynch syndrome 4. Review status: criteria provided, single submitter. Criteria: ACMG Guidelines, 2015. Collection method: clinical testing. Allele origin: germline. Inheritance: Autosomal dominant inheritance. Affected: yes. Observed: 1 heterozygote.
Comment: A heterozygous start loss variant in exon 1 of the PMS2 gene (chr7:g.6009018A>C) that alters the ATG start codon and consequently affecting the translation (p.Met1?;ENST00000265849.12) was detected.The p.Met1? variant has not been reported in the 1000 genomes and gnomAD (v3.1) databases and has a minor allele frequency of 0.0004% in the gnomAD (v2.1) databases. The in silico predictions of the variant are possibly damaging by PolyPhen-2 and damaging by SIFT and MutationTaster2 tools. The reference codon is conserved across species.

Literature cited by the submitters: PubMed 18602922 (cited by 3 submitters); PubMed 20487569 (cited by Labcorp Genetics (formerly Invitae), Labcorp and Sema4); PubMed 23709753 (cited by Labcorp Genetics (formerly Invitae), Labcorp); PubMed 30680046 (cited by Myriad Genetics, Inc.); PubMed 27476653 (cited by Myriad Genetics, Inc.).

NM_000535.7(PMS2):c.2T>G (p.Met1Arg)

Gene: PMS2 (PMS1 homolog 2, mismatch repair system component; minus strand). Cytogenetic location: 7p22.1.
Variant type: single nucleotide variant.
Coding change: c.2T>G on transcript NM_000535.7 (MANE Select); coding-DNA position 2, T replaced by G.
Protein change: p.Met1Arg; changes the start codon (methionine 1).
Molecular consequence: missense variant, initiator codon variant. On other transcripts: 5 prime UTR variant (11), non-coding transcript variant (1).
Genome position (GRCh38, 1-based): chr7:6,009,018, A>C on the plus strand (T>G on the coding strand, the complement: PMS2 is on the minus strand). VCF-style: chr7-6009018-A-C. GRCh37 (hg19) VCF-style: chr7-6048649-A-C.
Other names: p.Met1?; c.-399T>G (NM_001322003.2, NM_001322013.2); c.-264T>G (NM_001322004.2, NM_001322010.2); c.-594T>G (NM_001322005.2); c.2T>G, p.Met1Arg (NM_001322006.2, NM_001322014.2); c.-214T>G (NM_001322007.2); c.-74T>G (NM_001322008.2); c.-589T>G (NM_001322009.2); and 3 more; short protein forms M1R.
Identifiers: ClinVar variation 231873 (VCV000231873.21), dbSNP rs587780059, ClinGen allele CA10578738.